The following is an entry in ClinVar:

NM_022124.6(CDH23):c.8675G>A (p.Arg2892Gln)

Gene: CDH23 (cadherin related 23; plus strand). Cytogenetic location: 10q22.1.
Variant type: single nucleotide variant.
Coding change: c.8675G>A on transcript NM_022124.6 (MANE Select); coding-DNA position 8675, G replaced by A.
Protein change: p.Arg2892Gln; replaces arginine 2892 with glutamine.
Molecular consequence: missense variant.
Genome position (GRCh38, 1-based): chr10:71,807,960, G>A. VCF-style: chr10-71807960-G-A. GRCh37 (hg19) VCF-style: chr10-73567717-G-A.
Other names: c.1955G>A, p.Arg652Gln (NM_001171933.1, NM_001171934.1); c.8675G>A (NM_022124.5); short protein forms R652Q, R2892Q.
Identifiers: ClinVar variation 2138953 (VCV002138953.4), dbSNP rs575203430, ClinGen allele CA5546710.

ClinVar aggregate classification (germline): Uncertain significance. Review status: criteria provided, multiple submitters, no conflicts (2 of 4 stars). 2 submissions from 2 submitters: Uncertain significance (2). Last evaluated 2024-10-21.

Conditions:
Inborn genetic diseases. Identifiers: MedGen C0950123, MeSH D030342.

Allele frequency attached by ClinVar (database versions not stated): gnomAD 0.00002; gnomAD exomes 0.00002; TOPMed 0.00002; ExAC 0.00011; 1000 Genomes Project 30x 0.00031; 1000 Genomes Project 0.00040.
gnomAD v4.1: 32 of 1,600,430 alleles (0.002%); highest among the groups gnomAD compares: South Asian, 0.02%; no homozygotes.

Submissions (2):

Labcorp Genetics (formerly Invitae), Labcorp
Classification: Uncertain significance. Last evaluated: 2024-10-21. Review status: criteria provided, single submitter. Criteria: Invitae Variant Classification Sherloc (09022015). Collection method: clinical testing. Allele origin: germline.
Comment: This sequence change replaces arginine, which is basic and polar, with glutamine, which is neutral and polar, at codon 2892 of the CDH23 protein (p.Arg2892Gln). The frequency data for this variant in the population databases is considered unreliable, as metrics indicate poor data quality at this position in the gnomAD database. This variant has not been reported in the literature in individuals affected with CDH23-related conditions. ClinVar contains an entry for this variant (Variation ID: 2138953). An algorithm developed to predict the effect of missense changes on protein structure and function outputs the following: PolyPhen-2: "Not Available". The glutamine amino acid residue is found in multiple mammalian species, which suggests that this missense change does not adversely affect protein function. In summary, the available evidence is currently insufficient to determine the role of this variant in disease. Therefore, it has been classified as a Variant of Uncertain Significance.

Ambry Genetics
Classification: Uncertain significance for Inborn genetic diseases. Last evaluated: 2023-08-04. Review status: criteria provided, single submitter. Criteria: Ambry Variant Classification Scheme 2023. Collection method: clinical testing. Allele origin: germline.